The following is an entry in ClinVar:

ClinVar aggregate classification (germline): Benign/Likely benign. Review status: criteria provided, single submitter (1 of 4 stars). 2 submissions from 1 submitter: Benign (1); Likely benign (1). Last evaluated 2018-01-13.

Conditions:
Cerebral cavernous malformation (CCM). Also called: CAVERNOUS ANGIOMA, FAMILIAL; CAVERNOUS ANGIOMATOUS MALFORMATIONS; CEREBRAL CAPILLARY MALFORMATIONS; Cavernous Hemangioma of Brain; Cerebral cavernous hemangioma (type); Cerebral cavernous malformations. Identifiers: Orphanet 221061, MedGen C2919945, MONDO:0000820, OMIM 116860, HP:0033522.
Angiokeratoma corporis diffusum with arteriovenous fistulas. Identifiers: MedGen C1838141, MONDO:0010885, OMIM 600419.

Allele frequency attached by ClinVar (database versions not stated): gnomAD 0.00001 and 0.00008; TOPMed 0.00005; 1000 Genomes Project 30x 0.00031; 1000 Genomes Project 0.00040.
gnomAD v4.1: 251 of 1,149,714 alleles (0.022%); highest among the groups gnomAD compares: South Asian, 0.28%; 2 homozygotes.

Submissions (2):

Illumina Laboratory Services, Illumina
Classification: Likely benign for Cerebral cavernous malformation. Last evaluated: 2018-01-13. Review status: criteria provided, single submitter. Criteria: ICSL Variant Classification Criteria 13 December 2019. Collection method: clinical testing. Allele origin: germline.
Comment: This variant was observed in the ICSL laboratory as part of a predisposition screen in an ostensibly healthy population. It had not been previously curated by ICSL or reported in the Human Gene Mutation Database (HGMD: prior to June 1st, 2018), and was therefore a candidate for classification through an automated scoring system. Utilizing variant allele frequency, disease prevalence and penetrance estimates, and inheritance mode, an automated score was calculated to assess if this variant is too frequent to cause the disease. Based on the score and internal cut-off values, a variant classified as likely benign is not then subjected to further curation. The score for this variant resulted in a classification of likely benign for this disease.

Illumina Laboratory Services, Illumina
Classification: Benign for Angiokeratoma corporis diffusum with arteriovenous fistulas. Last evaluated: 2018-01-13. Review status: criteria provided, single submitter. Criteria: ICSL Variant Classification Criteria 13 December 2019. Collection method: clinical testing. Allele origin: germline.
Comment: This variant was observed in the ICSL laboratory as part of a predisposition screen in an ostensibly healthy population. It had not been previously curated by ICSL or reported in the Human Gene Mutation Database (HGMD: prior to June 1st, 2018), and was therefore a candidate for classification through an automated scoring system. Utilizing variant allele frequency, disease prevalence and penetrance estimates, and inheritance mode, an automated score was calculated to assess if this variant is too frequent to cause the disease. Based on the score and internal cut-off values, a variant classified as benign is not then subjected to further curation. The score for this variant resulted in a classification of benign for this disease.

NM_194454.3(KRIT1):c.*57G>A

Gene: KRIT1 (KRIT1 ankyrin repeat containing; minus strand). Cytogenetic location: 7q21.2.
Variant type: single nucleotide variant.
Coding change: c.*57G>A on transcript NM_194454.3 (MANE Select); 57 bases downstream of the stop codon, G replaced by A.
Molecular consequence: 3 prime UTR variant.
Genome position (GRCh38, 1-based): chr7:92,200,679, C>T on the plus strand (G>A on the coding strand, the complement: KRIT1 is on the minus strand). VCF-style: chr7-92200679-C-T. GRCh37 (hg19) VCF-style: chr7-91829993-C-T.
Other names: c.*57G>A (NM_001013406.2, NM_001350669.1, NM_001350670.1 and 30 more transcripts).
Identifiers: ClinVar variation 360881 (VCV000360881.5), dbSNP rs529937203, ClinGen allele CA10629593.